The following is an entry in ClinVar:

NM_001042492.3(NF1):c.350T>A (p.Ile117Asn)

Gene: NF1 (neurofibromin 1; plus strand). Cytogenetic location: 17q11.2.
Variant type: single nucleotide variant.
Coding change: c.350T>A on transcript NM_001042492.3 (MANE Select); coding-DNA position 350, T replaced by A.
Protein change: p.Ile117Asn; replaces isoleucine 117 with asparagine.
Molecular consequence: missense variant.
Genome position (GRCh38, 1-based): chr17:31,163,247, T>A. VCF-style: chr17-31163247-T-A. GRCh37 (hg19) VCF-style: chr17-29490265-T-A.
Other names: c.350T>A, p.Ile117Asn (NM_000267.4, NM_001128147.3); short protein forms I117N.
Identifiers: ClinVar variation 4800700 (VCV004800700.1).
Genomic context (GRCh38, chr17:31,163,247, plus strand): 5'-AACCAAAGGACACAATGAGATTAGATGAAACGATGCTGGTCAAACAGTTGCTGCCAGAAA[T>A]CTGCCATTTTCTTCACACCTGTCGTGAAGGAAACCAGCATGCAGCTGAACTTCGGAATTC-3'
Protein context (NP_001035957.1, residues 107-127): TMLVKQLLPE[Ile117Asn]CHFLHTCREG

ClinVar aggregate classification (germline): Pathogenic (1 of 4 stars; one submission).

Conditions:
Neurofibromatosis, type 1 (NF1). Also called: VON RECKLINGHAUSEN DISEASE; Neurofibromatosis, type I; NEUROFIBROMATOSIS, TYPE I, SOMATIC; Peripheral type neurofibromatosis. Identifiers: Orphanet 636, MedGen C0027831, MONDO:0018975, OMIM 162200. Disease mechanism: loss of function.

Submission:

Labcorp Genetics (formerly Invitae), Labcorp
Classification: Pathogenic for Neurofibromatosis, type 1. Last evaluated: 2025-11-05. Review status: criteria provided, single submitter. Criteria: Invitae Variant Classification Sherloc (09022015). Collection method: clinical testing. Allele origin: germline.
Comment: This sequence change replaces isoleucine, which is neutral and non-polar, with asparagine, which is neutral and polar, at codon 117 of the NF1 protein (p.Ile117Asn). This variant is not present in population databases (gnomAD no frequency). This missense change has been observed in individual(s) with clinical features of neurofibromatosis type 1 (PMID: 25810463; internal data). Invitae Evidence Modeling of protein sequence and biophysical properties (such as structural, functional, and spatial information, amino acid conservation, physicochemical variation, residue mobility, and thermodynamic stability) indicates that this missense variant is expected to disrupt NF1 protein function with a positive predictive value of 95%. This variant disrupts the p.Ile117 amino acid residue in NF1. Other variant(s) that disrupt this residue have been determined to be pathogenic (PMID: 10607834). This suggests that this residue is clinically significant, and that variants that disrupt this residue are likely to be disease-causing. For these reasons, this variant has been classified as Pathogenic.

Literature cited by the submitters: PubMed 25810463; PubMed 10607834.